The following is an entry in ClinVar:

ClinVar aggregate classification (germline): Uncertain significance. Review status: criteria provided, multiple submitters, no conflicts (2 of 4 stars). 3 submissions from 3 submitters: Uncertain significance (3). Last evaluated 2025-07-30.

Conditions:
Type 2 diabetes mellitus. Also called: Type II diabetes mellitus. Identifiers: MedGen C0011860, MeSH D003924, MONDO:0005148, OMIM 125853, HP:0005978.
Maturity-onset diabetes of the young type 6 (MODY6). Identifiers: Orphanet 552, MedGen C1853371, MONDO:0011668, OMIM 606394.

Allele frequency attached by ClinVar (database versions not stated): ExAC 0.00004; TOPMed 0.00006; gnomAD 0.00007; gnomAD exomes 0.00008.
gnomAD v4.1: 53 of 1,614,034 alleles (0.0033%); highest among the groups gnomAD compares: Admixed American, 0.04%; no homozygotes.

Submissions (3):

Labcorp Genetics (formerly Invitae), Labcorp
Classification: Uncertain significance. Last evaluated: 2025-07-30. Review status: criteria provided, single submitter. Criteria: Invitae Variant Classification Sherloc (09022015). Collection method: clinical testing. Allele origin: germline.
Comment: This sequence change replaces serine, which is neutral and polar, with threonine, which is neutral and polar, at codon 338 of the NEUROD1 protein (p.Ser338Thr). This variant is present in population databases (rs767837260, gnomAD 0.06%). This variant has not been reported in the literature in individuals affected with NEUROD1-related conditions. ClinVar contains an entry for this variant (Variation ID: 950336). Invitae Evidence Modeling of protein sequence and biophysical properties (such as structural, functional, and spatial information, amino acid conservation, physicochemical variation, residue mobility, and thermodynamic stability) indicates that this missense variant is not expected to disrupt NEUROD1 protein function with a negative predictive value of 80%. In summary, the available evidence is currently insufficient to determine the role of this variant in disease. Therefore, it has been classified as a Variant of Uncertain Significance.

GeneDx
Classification: Uncertain significance. Last evaluated: 2024-07-23. Review status: criteria provided, single submitter. Criteria: GeneDx Variant Classification Process June 2021. Collection method: clinical testing. Allele origin: germline. Affected: yes.
Comment: In silico analysis indicates that this missense variant does not alter protein structure/function; Has not been previously published as pathogenic or benign to our knowledge

Fulgent Genetics
Classification: Uncertain significance for Type 2 diabetes mellitus; Maturity-onset diabetes of the young type 6. Last evaluated: 2021-07-19. Review status: criteria provided, single submitter. Criteria: ACMG Guidelines, 2015. Collection method: clinical testing. Allele origin: unknown.

NM_002500.5(NEUROD1):c.1013G>C (p.Ser338Thr)

Gene: NEUROD1 (neuronal differentiation 1; minus strand). Cytogenetic location: 2q31.3.
Variant type: single nucleotide variant.
Coding change: c.1013G>C on transcript NM_002500.5 (MANE Select); coding-DNA position 1013, G replaced by C.
Protein change: p.Ser338Thr; replaces serine 338 with threonine.
Molecular consequence: missense variant.
Genome position (GRCh38, 1-based): chr2:181,677,848, C>G on the plus strand (G>C on the coding strand, the complement: NEUROD1 is on the minus strand). VCF-style: chr2-181677848-C-G. GRCh37 (hg19) VCF-style: chr2-182542575-C-G.
Other names: c.1013G>C (NM_002500.3); short protein forms S338T.
Identifiers: ClinVar variation 950336 (VCV000950336.10), dbSNP rs767837260, ClinGen allele CA2011018.
Genomic context (GRCh38, chr2:181,677,848, plus strand): 5'-CTCTAATCATGAAATATGGCATTGAGCTGGGCACTCATGACTCGCTCATGATGTGAATGG[C>G]TATCGAAGGACATAATATTGTCTATGGGGATCTCGCAGCGAGGGGCAGCGGTGCCTGAGA-3'
Protein context (NP_002491.3, residues 328-348): IPIDNIMSFD[Ser338Thr]HSHHERVMSA